The following is an entry in ClinVar:

NM_000038.6(APC):c.5750C>T (p.Pro1917Leu)

Gene: APC (APC regulator of Wnt signaling pathway; plus strand). Cytogenetic location: 5q22.2.
Variant type: single nucleotide variant.
Coding change: c.5750C>T on transcript NM_000038.6 (MANE Select); coding-DNA position 5750, C replaced by T.
Protein change: p.Pro1917Leu; replaces proline 1917 with leucine.
Molecular consequence: missense variant.
Genome position (GRCh38, 1-based): chr5:112,841,344, C>T. VCF-style: chr5-112841344-C-T. GRCh37 (hg19) VCF-style: chr5-112177041-C-T.
Other names: c.5750C>T, p.Pro1917Leu (NM_001127510.3, NM_001354895.2); c.5696C>T, p.Pro1899Leu (NM_001127511.3); c.5804C>T, p.Pro1935Leu (NM_001354896.2); c.5780C>T, p.Pro1927Leu (NM_001354897.2); c.5675C>T, p.Pro1892Leu (NM_001354898.2); c.5666C>T, p.Pro1889Leu (NM_001354899.2); c.5627C>T, p.Pro1876Leu (NM_001354900.2); c.5573C>T, p.Pro1858Leu (NM_001354901.2); and 6 more; short protein forms P1757L, P1889L, P1791L, P1899L, P1935L, P1816L, P1826L, P1876L.
Identifiers: ClinVar variation 1366684 (VCV001366684.9), dbSNP rs1766031609, ClinGen allele CA16033920.
Genomic context (GRCh38, chr5:112,841,344, plus strand): 5'-ACACAGAACTAACCTCCAACCAACAATCAGCTAATAAGACACAAGCTATTGCAAAGCAGC[C>T]AATAAATCGAGGTCAGCCTAAACCCATACTTCAGAAACAATCCACTTTTCCCCAGTCATC-3'
Protein context (NP_000029.2, residues 1907-1927): ANKTQAIAKQ[Pro1917Leu]INRGQPKPIL

ClinVar aggregate classification (germline): Uncertain significance. Review status: criteria provided, multiple submitters, no conflicts (2 of 4 stars). 2 submissions from 2 submitters: Uncertain significance (2). Last evaluated 2023-10-17.

Conditions:
Hereditary cancer-predisposing syndrome. Also called: Neoplastic Syndromes, Hereditary; Tumor predisposition; Hereditary neoplastic syndrome; Hereditary Cancer Syndrome. Identifiers: Orphanet 140162, MedGen C0027672, MeSH D009386, MONDO:0015356.
Familial adenomatous polyposis 1 (FAP1). Also called: POLYPOSIS, ADENOMATOUS INTESTINAL; FAMILIAL ADENOMATOUS POLYPOSIS 1, ATTENUATED. Identifiers: MedGen C2713442, MONDO:0021056, OMIM 175100. Disease mechanism: loss of function.

Submissions (2):

Ambry Genetics
Classification: Uncertain significance for Hereditary cancer-predisposing syndrome. Last evaluated: 2023-10-17. Review status: criteria provided, single submitter. Criteria: Ambry Variant Classification Scheme 2023. Collection method: clinical testing. Allele origin: germline.
Comment: The p.P1917L variant (also known as c.5750C>T), located in coding exon 15 of the APC gene, results from a C to T substitution at nucleotide position 5750. The proline at codon 1917 is replaced by leucine, an amino acid with similar properties. This amino acid position is well conserved in available vertebrate species. In addition, in silico predictors for this gene do not accurately predict pathogenicity. Since supporting evidence is limited at this time, the clinical significance of this alteration remains unclear.

Labcorp Genetics (formerly Invitae), Labcorp
Classification: Uncertain significance for Familial adenomatous polyposis 1. Last evaluated: 2022-07-05. Review status: criteria provided, single submitter. Criteria: Invitae Variant Classification Sherloc (09022015). Collection method: clinical testing. Allele origin: germline.
Comment: This sequence change replaces proline, which is neutral and non-polar, with leucine, which is neutral and non-polar, at codon 1917 of the APC protein (p.Pro1917Leu). This variant is not present in population databases (gnomAD no frequency). This variant has not been reported in the literature in individuals affected with APC-related conditions. ClinVar contains an entry for this variant (Variation ID: 1366684). Algorithms developed to predict the effect of missense changes on protein structure and function (SIFT, PolyPhen-2, Align-GVGD) all suggest that this variant is likely to be tolerated. In summary, the available evidence is currently insufficient to determine the role of this variant in disease. Therefore, it has been classified as a Variant of Uncertain Significance.